The following is an entry in ClinVar:

ClinVar aggregate classification (germline): Benign. Review status: criteria provided, multiple submitters, no conflicts (2 of 4 stars). 3 submissions from 3 submitters: Benign (2). 1 of the submissions does not count toward it. Last evaluated 2018-07-23.

Conditions:
DNAH10-related disorder. Also called: DNAH10-related condition.

Allele frequency attached by ClinVar (database versions not stated): gnomAD 0.00822; 1000 Genomes Project 0.00899; 1000 Genomes Project 30x 0.00953; TOPMed 0.00982; ESP Exome Variant Server 0.00983.
gnomAD v4.1: 2,572 of 1,612,056 alleles (0.16%); highest among the groups gnomAD compares: African/African-American, 3%; 31 homozygotes.

Submissions (3):

Labcorp Genetics (formerly Invitae), Labcorp
Classification: Benign. Last evaluated: 2018-07-23. Review status: criteria provided, single submitter. Criteria: Invitae Variant Classification Sherloc (09022015). Collection method: clinical testing. Allele origin: germline.

Breakthrough Genomics
Classification: Benign. Review status: criteria provided, single submitter. Criteria: ACMG Guidelines, 2015. Collection method: not provided. Allele origin: germline. Inheritance: Autosomal recessive inheritance. Affected: yes.

PreventionGenetics, part of Exact Sciences
Classification: Benign for DNAH10-related condition. Last evaluated: 2024-08-31. Review status: no assertion criteria provided. Collection method: clinical testing. Allele origin: germline. Not counted in ClinVar's aggregate classification.
Comment: This variant is classified as benign based on ACMG/AMP sequence variant interpretation guidelines (Richards et al. 2015 PMID: 25741868, with internal and published modifications).

NM_001372106.1(DNAH10):c.6687G>C (p.Val2229=)

Gene: DNAH10 (dynein axonemal heavy chain 10; plus strand). Cytogenetic location: 12q24.31.
Variant type: single nucleotide variant.
Coding change: c.6687G>C on transcript NM_001372106.1 (MANE Select); coding-DNA position 6687, G replaced by C.
Protein change: p.Val2229=; no amino-acid change (valine 2229 retained).
Molecular consequence: synonymous variant.
Genome position (GRCh38, 1-based): chr12:123,859,206, G>C. VCF-style: chr12-123859206-G-C. GRCh37 (hg19) VCF-style: chr12-124343753-G-C.
Other names: c.6333G>C, p.Val2111= (NM_207437.3).
Identifiers: ClinVar variation 785433 (VCV000785433.5), dbSNP rs75245840, ClinGen allele CA6864297.
Genomic context (GRCh38, chr12:123,859,206, plus strand): 5'-GCAGGTGGATAAAGTGGTTCAAATGTTCGAGACCATGTTAACCCGCCACACGACGATGGT[G>C]GTGGGGCCCACCAGAGGGGGCAAGTCCGTCGTCATTAACACTCTGTGTCAGGCCCAGACC-3'
Protein context (NP_001359035.1, residues 2219-2239): ETMLTRHTTM[Val2229=]VGPTRGGKSV